The following is an entry in ClinVar:

ClinVar aggregate classification (germline): Uncertain significance (1 of 4 stars; one submission).

Conditions:
Cohen syndrome (COH1). Also called: PEPPER SYNDROME; Cutis verticis gyrata, retinitis pigmentosa, and sensorineural deafness. Identifiers: Orphanet 193, MedGen C0265223, MONDO:0008999, OMIM 216550.

Allele frequency attached by ClinVar (database versions not stated): gnomAD exomes below 0.00001.
gnomAD v4.1: 1 of 1,614,162 alleles (0.000062%); highest among the groups gnomAD compares: Non-Finnish European, 0.000085%; no homozygotes.

Submission:

Labcorp Genetics (formerly Invitae), Labcorp
Classification: Uncertain significance for Cohen syndrome. Last evaluated: 2022-11-01. Review status: criteria provided, single submitter. Criteria: Invitae Variant Classification Sherloc (09022015). Collection method: clinical testing. Allele origin: germline.
Comment: This sequence change replaces asparagine, which is neutral and polar, with serine, which is neutral and polar, at codon 844 of the VPS13B protein (p.Asn844Ser). This variant is not present in population databases (gnomAD no frequency). This variant has not been reported in the literature in individuals affected with VPS13B-related conditions. ClinVar contains an entry for this variant (Variation ID: 1394078). Advanced modeling of protein sequence and biophysical properties (such as structural, functional, and spatial information, amino acid conservation, physicochemical variation, residue mobility, and thermodynamic stability) performed at Invitae indicates that this missense variant is not expected to disrupt VPS13B protein function. In summary, the available evidence is currently insufficient to determine the role of this variant in disease. Therefore, it has been classified as a Variant of Uncertain Significance.

NM_152564.5(VPS13B):c.2531A>G (p.Asn844Ser)

Gene: VPS13B (vacuolar protein sorting 13 homolog B; plus strand). Cytogenetic location: 8q22.2.
Variant type: single nucleotide variant.
Coding change: c.2531A>G on transcript NM_152564.5 (MANE Select); coding-DNA position 2531, A replaced by G.
Protein change: p.Asn844Ser; replaces asparagine 844 with serine.
Molecular consequence: missense variant.
Genome position (GRCh38, 1-based): chr8:99,274,213, A>G. VCF-style: chr8-99274213-A-G. GRCh37 (hg19) VCF-style: chr8-100286441-A-G.
Other names: c.2531A>G, p.Asn844Ser (NM_017890.5); short protein forms N844S.
Identifiers: ClinVar variation 1394078 (VCV001394078.3), dbSNP rs2132994774, ClinGen allele CA371862126.
Genomic context (GRCh38, chr8:99,274,213, plus strand): 5'-ATTTAAATTCAATCGGCTAGTACATTTGCAGTTTTCTTTTATTAGGTGTGAAATCTAAGA[A>G]TCCCCTGCCAACTCTTGAGGGCTCAATCCAGAATGTTGAATTGAAGTACTGCAGCACATC-3'
Protein context (NP_689777.3, residues 834-854): IFLSIGVKSK[Asn844Ser]PLPTLEGSIQ